The following is an entry in ClinVar:

ClinVar aggregate classification (germline): Benign (1 of 4 stars; one submission).

Submission:

GeneDx
Classification: Benign. Last evaluated: 2018-06-14. Review status: criteria provided, single submitter. Criteria: GeneDx Variant Classification (06012015). Collection method: clinical testing. Allele origin: germline. Affected: yes.
Comment: This variant is considered likely benign or benign based on one or more of the following criteria: it is a conservative change, it occurs at a poorly conserved position in the protein, it is predicted to be benign by multiple in silico algorithms, and/or has population frequency not consistent with disease.

NM_001843.4(CNTN1):c.496+230AT[9]

Gene: CNTN1 (contactin 1; plus strand). Cytogenetic location: 12q12.
Variant type: Microsatellite.
Coding change: c.496+230AT[9] on transcript NM_001843.4 (MANE Select); nine copies in a row of the 2-base unit AT starting at c.496+230.
Molecular consequence: intron variant.
Genome position: GRCh38 VCF-style: chr12-40924881-C-CAT. GRCh37 (hg19) VCF-style: chr12-41318683-C-CAT.
Other names: c.496+230AT[9] (NM_001256063.2, NM_001256064.2); c.463+230AT[9] (NM_175038.2).
Identifiers: ClinVar variation 679604 (VCV000679604.1), dbSNP rs138237336, ClinGen allele CA235391354.